The following is an entry in ClinVar:

NM_013266.4(CTNNA3):c.604G>A (p.Asp202Asn)

Gene: CTNNA3 (catenin alpha 3; minus strand). Cytogenetic location: 10q21.3.
Variant type: single nucleotide variant.
Coding change: c.604G>A on transcript NM_013266.4 (MANE Select); coding-DNA position 604, G replaced by A.
Protein change: p.Asp202Asn; replaces aspartic acid 202 with asparagine.
Molecular consequence: missense variant.
Genome position (GRCh38, 1-based): chr10:67,219,846, C>T on the plus strand (G>A on the coding strand, the complement: CTNNA3 is on the minus strand). VCF-style: chr10-67219846-C-T. GRCh37 (hg19) VCF-style: chr10-68979604-C-T.
Other names: c.604G>A, p.Asp202Asn (NM_001127384.3); c.640G>A, p.Asp214Asn (NM_001291133.2); short protein forms D202N, D214N.
Identifiers: ClinVar variation 3684967 (VCV003684967.2).
Genomic context (GRCh38, chr10:67,219,846, plus strand): 5'-AAATTGAATGCAAGAGGGGAGAGTTCTCCTTCAGTGAAGCTCGGGCTCCTGCAATTTCAT[C>T]TCTCTGATTTGGAGATTTTAAGTCCTGAGAAGGTAAATAAAAAGAGTGGTATCTTACAAT-3'
Protein context (NP_037398.2, residues 192-212): QQDLKSPNQR[Asp202Asn]EIAGARASLK

ClinVar aggregate classification (germline): Uncertain significance (1 of 4 stars; one submission).

Conditions:
Arrhythmogenic right ventricular dysplasia 13. Also called: ARRHYTHMOGENIC RIGHT VENTRICULAR CARDIOMYOPATHY 13; Arrhythmogenic right ventricular dysplasia, familial, 13. Identifiers: MedGen C3810138, MONDO:0000908, OMIM 615616.

Submission:

Labcorp Genetics (formerly Invitae), Labcorp
Classification: Uncertain significance for Arrhythmogenic right ventricular dysplasia 13. Last evaluated: 2024-11-26. Review status: criteria provided, single submitter. Criteria: Invitae Variant Classification Sherloc (09022015). Collection method: clinical testing. Allele origin: germline.
Comment: This sequence change replaces aspartic acid, which is acidic and polar, with asparagine, which is neutral and polar, at codon 202 of the CTNNA3 protein (p.Asp202Asn). This variant is not present in population databases (gnomAD no frequency). This variant has not been reported in the literature in individuals affected with CTNNA3-related conditions. Invitae Evidence Modeling of protein sequence and biophysical properties (such as structural, functional, and spatial information, amino acid conservation, physicochemical variation, residue mobility, and thermodynamic stability) has been performed for this missense variant. However, the output from this modeling did not meet the statistical confidence thresholds required to predict the impact of this variant on CTNNA3 protein function. In summary, the available evidence is currently insufficient to determine the role of this variant in disease. Therefore, it has been classified as a Variant of Uncertain Significance.